The following is an entry in ClinVar:

NM_033215.5(PPP1R3F):c.720_721dup (p.Asp241fs)

Gene: PPP1R3F (protein phosphatase 1 regulatory subunit 3F; plus strand). Cytogenetic location: Xp11.23.
Variant type: Duplication.
Coding change: c.720_721dup on transcript NM_033215.5 (MANE Select); coding-DNA positions 720 to 721, 2 bases duplicated (CG; older notation c.720_721dupCG).
Protein change: p.Asp241fs; shifts the reading frame from aspartic acid 241.
Molecular consequence: frameshift variant. On other transcripts: intron variant (1).
Genome position (GRCh38, 1-based): chrX:49,270,589-49,270,590, CG duplicated. VCF-style (leftmost placement, unchanged base first): chrX-49270588-C-CCG. GRCh37 (hg19) VCF-style: chrX-49127051-C-CCG.
Other names: c.-32+656_-32+657dup (NM_001184745.2); short protein forms D241fs.
Identifiers: ClinVar variation 4823461 (VCV004823461.4).
Genomic context (GRCh38, chrX:49,270,588, plus strand): 5'-CGGGGCTCGGCCTGGGTCCCGGCCAGGCATCCGCCTCCTCGCCCGACGACGGCGGCCGCA[C>CCG]CGACCGCTTTGCCTTCCAGCTGCCCTTTGCTGAGGGCGCGGGCGATGGGGCGCGCCTCGA-3'

ClinVar aggregate classification (germline): Uncertain significance (1 of 4 stars; one submission).

Submission:

CeGaT Center for Human Genetics Tuebingen
Classification: Uncertain significance. Last evaluated: 2026-02-01. Review status: criteria provided, single submitter. Criteria: CeGaT Center For Human Genetics Tuebingen Variant Classification Criteria Version 2. Collection method: clinical testing. Allele origin: germline. Affected: yes. Observed: 1 variant allele.
Comment: PPP1R3F: PM2